The following is an entry in ClinVar:

ClinVar aggregate classification (germline): Uncertain significance (1 of 4 stars; one submission).

Allele frequency attached by ClinVar (database versions not stated): gnomAD 0.00001; TOPMed 0.00001.

Submission:

Labcorp Genetics (formerly Invitae), Labcorp
Classification: Uncertain significance. Last evaluated: 2022-06-15. Review status: criteria provided, single submitter. Criteria: Invitae Variant Classification Sherloc (09022015). Collection method: clinical testing. Allele origin: germline.
Comment: In summary, the available evidence is currently insufficient to determine the role of this variant in disease. Therefore, it has been classified as a Variant of Uncertain Significance. Algorithms developed to predict the effect of sequence changes on RNA splicing suggest that this variant is not likely to affect RNA splicing. This variant has not been reported in the literature in individuals affected with DGKE-related conditions. This variant is not present in population databases (gnomAD no frequency). This sequence change affects codon 209 of the DGKE mRNA. It is a 'silent' change, meaning that it does not change the encoded amino acid sequence of the DGKE protein. It affects a nucleotide within the consensus splice site.

NM_003647.3(DGKE):c.625C>T (p.Leu209=)

Gene: DGKE (diacylglycerol kinase epsilon; plus strand). Cytogenetic location: 17q22.
Variant type: single nucleotide variant.
Coding change: c.625C>T on transcript NM_003647.3 (MANE Select); coding-DNA position 625, C replaced by T.
Protein change: p.Leu209=; no amino-acid change (leucine 209 retained).
Molecular consequence: synonymous variant.
Genome position (GRCh38, 1-based): chr17:56,845,690, C>T. VCF-style: chr17-56845690-C-T. GRCh37 (hg19) VCF-style: chr17-54923051-C-T.
Identifiers: ClinVar variation 2007188 (VCV002007188.4), dbSNP rs1382768434, ClinGen allele CA500685917.